The following is an entry in ClinVar:

NM_001759.4(CCND2):c.850G>A (p.Val284Met)

Gene: CCND2 (cyclin D2; plus strand). Cytogenetic location: 12p13.32.
Variant type: single nucleotide variant.
Coding change: c.850G>A on transcript NM_001759.4 (MANE Select); coding-DNA position 850, G replaced by A.
Protein change: p.Val284Met; replaces valine 284 with methionine.
Molecular consequence: missense variant.
Genome position (GRCh38, 1-based): chr12:4,299,989, G>A. VCF-style: chr12-4299989-G-A. GRCh37 (hg19) VCF-style: chr12-4409155-G-A.
Other names: short protein forms V284M.
Identifiers: ClinVar variation 4749422 (VCV004749422.1).

ClinVar aggregate classification (germline): Uncertain significance (1 of 4 stars; one submission).

gnomAD v4.1: 51 of 1,613,886 alleles (0.0032%); highest among the groups gnomAD compares: Non-Finnish European, 0.0039%; no homozygotes.

Submission:

Labcorp Genetics (formerly Invitae), Labcorp
Classification: Uncertain significance. Last evaluated: 2025-06-13. Review status: criteria provided, single submitter. Criteria: Invitae Variant Classification Sherloc (09022015). Collection method: clinical testing. Allele origin: germline.
Comment: This sequence change replaces valine, which is neutral and non-polar, with methionine, which is neutral and non-polar, at codon 284 of the CCND2 protein (p.Val284Met). This variant is present in population databases (rs746964971, gnomAD 0.005%). This variant has not been reported in the literature in individuals affected with CCND2-related conditions. An algorithm developed to predict the effect of missense changes on protein structure and function (PolyPhen-2) suggests that this variant is likely to be disruptive. In summary, the available evidence is currently insufficient to determine the role of this variant in disease. Therefore, it has been classified as a Variant of Uncertain Significance.